The following is an entry in ClinVar:

ClinVar aggregate classification (germline): Conflicting classifications of pathogenicity. Review status: criteria provided, conflicting classifications (1 of 4 stars). 5 submissions from 5 submitters: Likely pathogenic (4); Uncertain significance (1). Last evaluated 2024-11-05.

Conditions:
Multiple acyl-CoA dehydrogenase deficiency (MADD). Also called: Glutaric aciduria, type 2; Glutaric acidemia type II; GA 2; Glutaric Acidemia type 2; ETHYLMALONIC-ADIPICACIDURIA; GA II. Identifiers: Orphanet 26791, MedGen C0268596, MONDO:0009282, OMIM 231680.

Allele frequency attached by ClinVar (database versions not stated): gnomAD 0.00001; gnomAD exomes 0.00002 and 0.00003; TOPMed 0.00003; ExAC 0.00008.
gnomAD v4.1: 25 of 1,567,428 alleles (0.0016%); highest among the groups gnomAD compares: South Asian, 0.0082%; no homozygotes.

Submissions (5):

GeneDx
Classification: Likely pathogenic. Last evaluated: 2024-11-05. Review status: criteria provided, single submitter. Criteria: GeneDx Variant Classification Process June 2021. Collection method: clinical testing. Allele origin: germline. Affected: yes.
Comment: Not observed at significant frequency in large population cohorts (gnomAD); Published functional studies demonstrate that this variant leads to a destabilization of the protein and reduction in enzyme activity (PMID: 20674745); In silico analysis supports that this missense variant has a deleterious effect on protein structure/function; This variant is associated with the following publications: (PMID: 33450351, 16510302, 22588007, 20674745, 31418342)

Fulgent Genetics
Classification: Likely pathogenic for Multiple acyl-CoA dehydrogenase deficiency. Last evaluated: 2024-03-20. Review status: criteria provided, single submitter. Criteria: ACMG Guidelines, 2015. Collection method: clinical testing. Allele origin: germline.

Baylor Genetics
Classification: Likely pathogenic for Multiple acyl-CoA dehydrogenase deficiency. Last evaluated: 2023-12-28. Review status: criteria provided, single submitter. Criteria: ACMG Guidelines, 2015. Collection method: clinical testing. Allele origin: unknown.

Women's Health and Genetics/Laboratory Corporation of America, LabCorp
Classification: Likely pathogenic for Multiple acyl-CoA dehydrogenase deficiency. Last evaluated: 2023-10-06. Review status: criteria provided, single submitter. Criteria: LabCorp Variant Classification Summary - May 2015. Collection method: clinical testing. Allele origin: germline.
Comment: Variant summary: ETFB c.571C>T (p.Arg191Cys) results in a non-conservative amino acid change located in the Electron transfer flavoprotein, alpha/beta-subunit, N-terminal domain (IPR014730) of the encoded protein sequence. Five of five in-silico tools predict a damaging effect of the variant on protein function. The variant allele was found at a frequency of 2.8e-05 in 177576 control chromosomes (gnomAD). c.571C>T has been reported in the literature in at-least one homozygous individual affected with late onset Multiple acyl-CoA dehydrogenase deficiency (examples: Schiff_2006, Henriques_2019). These data indicate that the variant may be associated with disease. Multiple publications reported experimental evidence evaluating an impact on protein function (examples: Schiff_2006, Henriques_2010, Rodrigues_2012). Even though the results were conflicting at-least two showed this variant reduced enzyme activity in vitro and in patient fibroblast cells (examples: Schiff_2006, Henriques_2010). The following publications have been ascertained in the context of this evaluation (PMID: 20674745, 31418342, 22588007, 16510302). One submitter has cited clinical-significance assessments for this variant to ClinVar after 2014 and has classified the variant as uncertain significance. Based on the evidence outlined above, the variant was classified as likely pathogenic.

Labcorp Genetics (formerly Invitae), Labcorp
Classification: Uncertain significance for Multiple acyl-CoA dehydrogenase deficiency. Last evaluated: 2022-04-15. Review status: criteria provided, single submitter. Criteria: Invitae Variant Classification Sherloc (09022015). Collection method: clinical testing. Allele origin: germline.
Comment: This sequence change replaces arginine, which is basic and polar, with cysteine, which is neutral and slightly polar, at codon 191 of the ETFB protein (p.Arg191Cys). This variant is present in population databases (rs772976948, gnomAD 0.01%). This missense change has been observed in individuals with late onset multiple Acyl-CoA dehydrogenase deficiency (PMID: 16510302, 31418342). Algorithms developed to predict the effect of missense changes on protein structure and function (SIFT, PolyPhen-2, Align-GVGD) all suggest that this variant is likely to be disruptive. Experimental studies are conflicting or provide insufficient evidence to determine the effect of this variant on ETFB function (PMID: 16510302, 22588007). In summary, the available evidence is currently insufficient to determine the role of this variant in disease. Therefore, it has been classified as a Variant of Uncertain Significance.

Literature cited by the submitters: PubMed 20674745 (cited by Women's Health and Genetics/Laboratory Corporation of America, LabCorp); PubMed 16510302 (cited by Women's Health and Genetics/Laboratory Corporation of America, LabCorp and Labcorp Genetics (formerly Invitae), Labcorp); PubMed 31418342 (cited by Women's Health and Genetics/Laboratory Corporation of America, LabCorp and Labcorp Genetics (formerly Invitae), Labcorp); PubMed 22588007 (cited by Women's Health and Genetics/Laboratory Corporation of America, LabCorp and Labcorp Genetics (formerly Invitae), Labcorp).

NM_001985.3(ETFB):c.571C>T (p.Arg191Cys)

Gene: ETFB (electron transfer flavoprotein subunit beta; minus strand). Cytogenetic location: 19q13.41.
Variant type: single nucleotide variant.
Coding change: c.571C>T on transcript NM_001985.3 (MANE Select); coding-DNA position 571, C replaced by T.
Protein change: p.Arg191Cys; replaces arginine 191 with cysteine.
Molecular consequence: missense variant.
Genome position (GRCh38, 1-based): chr19:51,346,926, G>A on the plus strand (C>T on the coding strand, the complement: ETFB is on the minus strand). VCF-style: chr19-51346926-G-A. GRCh37 (hg19) VCF-style: chr19-51850180-G-A.
Other names: c.571C>T (NM_001985.2); c.844C>T, p.Arg282Cys (NM_001014763.1); short protein forms R191C, R282C.
Identifiers: ClinVar variation 1409823 (VCV001409823.10), dbSNP rs772976948, ClinGen allele CA9610719.